The following is an entry in ClinVar:

NM_001242896.3(DEPDC5):c.208_209del (p.Asp70fs)

Gene: DEPDC5 (DEP domain containing 5, GATOR1 subcomplex subunit; plus strand). Cytogenetic location: 22q12.2.
Variant type: Deletion.
Coding change: c.208_209del on transcript NM_001242896.3 (MANE Select); coding-DNA positions 208 to 209, 2 bases deleted (GA; older notation c.208_209delGA).
Protein change: p.Asp70fs; shifts the reading frame from aspartic acid 70.
Molecular consequence: frameshift variant. On other transcripts: non-coding transcript variant (5).
Genome position (GRCh38, 1-based): chr22:31,764,989-31,764,990, GA deleted. VCF-style (leftmost placement, unchanged base first): chr22-31764988-GGA-G. GRCh37 (hg19) VCF-style: chr22-32160974-GGA-G.
Other names: c.208_209del, p.Asp70fs (NM_001007188.4, NM_001136029.4, NM_001242897.2 and 9 more transcripts); short protein forms D70fs.
Identifiers: ClinVar variation 1069270 (VCV001069270.7), dbSNP rs2148103087, ClinGen allele CA2499226149.

ClinVar aggregate classification (germline): Pathogenic (1 of 4 stars; one submission).

Conditions:
Familial focal epilepsy with variable foci (FPEVF). Identifiers: Orphanet 98820, MedGen C1858477, MONDO:0020310.

Submission:

Labcorp Genetics (formerly Invitae), Labcorp
Classification: Pathogenic for Familial focal epilepsy with variable foci. Last evaluated: 2020-06-12. Review status: criteria provided, single submitter. Criteria: Invitae Variant Classification Sherloc (09022015). Collection method: clinical testing. Allele origin: germline.
Comment: This variant is not present in population databases (ExAC no frequency). This sequence change creates a premature translational stop signal (p.Asp70Profs*18) in the DEPDC5 gene. It is expected to result in an absent or disrupted protein product. This variant has not been reported in the literature in individuals with DEPDC5-related conditions. For these reasons, this variant has been classified as Pathogenic. Loss-of-function variants in DEPDC5 are known to be pathogenic (PMID: 23542697, 23542701).

Literature cited by the submitters: PubMed 23542697; PubMed 23542701.